The following is an entry in ClinVar:

ClinVar aggregate classification (germline): Pathogenic. Review status: criteria provided, single submitter (1 of 4 stars). 2 submissions from 2 submitters: Pathogenic (1). 1 of the submissions does not count toward it. Last evaluated 2023-12-12.

Conditions:
Hermansky-Pudlak syndrome 6 (HPS6). Identifiers: Orphanet 231512, Orphanet 79430, MedGen C3888007, MONDO:0013558, OMIM 614075.

Allele frequency attached by ClinVar (database versions not stated): gnomAD exomes below 0.00001; TOPMed below 0.00001.

Submissions (2):

Labcorp Genetics (formerly Invitae), Labcorp
Classification: Pathogenic. Last evaluated: 2023-12-12. Review status: criteria provided, single submitter. Criteria: Invitae Variant Classification Sherloc (09022015). Collection method: clinical testing. Allele origin: germline.
Comment: This sequence change creates a premature translational stop signal (p.Gln305*) in the HPS6 gene. While this is not anticipated to result in nonsense mediated decay, it is expected to disrupt the last 471 amino acid(s) of the HPS6 protein. This variant is not present in population databases (gnomAD no frequency). This premature translational stop signal has been observed in individual(s) with Hermansky-Pudlak syndrome (PMID: 19843503; Invitae). In at least one individual the data is consistent with being in trans (on the opposite chromosome) from a pathogenic variant. ClinVar contains an entry for this variant (Variation ID: 30673). For these reasons, this variant has been classified as Pathogenic.

OMIM
Classification: Pathogenic for HERMANSKY-PUDLAK SYNDROME 6. Last evaluated: 2009-12-01. Review status: no assertion criteria provided. Collection method: literature only. Allele origin: germline. Not counted in ClinVar's aggregate classification.

Literature cited by the submitters: PubMed 19843503 (cited by Labcorp Genetics (formerly Invitae), Labcorp and OMIM).

NM_024747.6(HPS6):c.913C>T (p.Gln305Ter)

Gene: HPS6 (HPS6 biogenesis of lysosomal organelles complex 2 subunit 3; plus strand). Cytogenetic location: 10q24.32.
Variant type: single nucleotide variant.
Coding change: c.913C>T on transcript NM_024747.6 (MANE Select); coding-DNA position 913, C replaced by T.
Protein change: p.Gln305Ter; replaces glutamine 305 with a stop codon.
Molecular consequence: nonsense.
Genome position (GRCh38, 1-based): chr10:102,066,387, C>T. VCF-style: chr10-102066387-C-T. GRCh37 (hg19) VCF-style: chr10-103826144-C-T.
Other names: short protein forms Q305*.
Identifiers: ClinVar variation 30673 (VCV000030673.6), dbSNP rs281865110, ClinGen allele CA259880.